The following is an entry in ClinVar:

ClinVar aggregate classification (germline): Pathogenic. Review status: criteria provided, multiple submitters, no conflicts (2 of 4 stars). 10 submissions from 10 submitters: Pathogenic (8). 2 of the submissions do not count toward it. Last evaluated 2026-01-13.

Conditions:
Developmental delay, impaired growth, dysmorphic facies, and axonal neuropathy. Identifiers: MedGen C5436781, MONDO:0030835, OMIM 619090.
Inborn genetic diseases. Identifiers: MedGen C0950123, MeSH D030342.
Charcot-Marie-Tooth disease axonal type 2Z. Also called: CHARCOT-MARIE-TOOTH DISEASE, AXONAL, AUTOSOMAL DOMINANT, TYPE 2Z; CHARCOT-MARIE-TOOTH NEUROPATHY, TYPE 2Z. Identifiers: Orphanet 466768, MedGen C5569025, MONDO:0014736, OMIM 616688.
Charcot-Marie-Tooth disease. Also called: Charcot-Marie-Tooth Neuropathy; Charcot-Marie-Tooth Hereditary Neuropathy. Identifiers: Orphanet 166, MedGen C0007959, MONDO:0015626.
Global developmental delay (DD). Also called: Cognitive delay. Identifiers: MedGen C0557874, HP:0001263. Disease mechanism: loss of function.

Submissions (10):

Variantyx, Inc.
Classification: Pathogenic for Developmental delay, impaired growth, dysmorphic facies, and axonal neuropathy. Last evaluated: 2026-01-13. Review status: criteria provided, single submitter. Criteria: Variantyx Assertion Criteria 2022. Collection method: clinical testing. Allele origin: de novo. Inheritance: Autosomal dominant inheritance. Affected: yes.
Comment: This is a nonsynonymous variant in the MORC2 gene (OMIM: 616661). Pathogenic variants in this gene have been associated with autosomal dominant developmental delay, impaired growth, dysmorphic facies, and axonal neuropathy. This variant has been reported in at least three unrelated affected individuals (PMID: 32693025, 34059105) (PS4_Moderate), while it is absent from control populations (PM2). Functional studies have shown that this variant alters MORC2 protein function (PMID: 32693025, 29440755, 30624633, 38227798) (PS3), and multiple computational algorithms predict a deleterious effect for this variant (REVEL score: 0.816) (PP3). Based on the current evidence, this variant is classified as pathogenic for autosomal dominant developmental delay, impaired growth, dysmorphic facies, and axonal neuropathy.

Labcorp Genetics (formerly Invitae), Labcorp
Classification: Pathogenic for Charcot-Marie-Tooth disease axonal type 2Z. Last evaluated: 2025-10-02. Review status: criteria provided, single submitter. Criteria: Invitae Variant Classification Sherloc (09022015). Collection method: clinical testing. Allele origin: germline.
Comment: This sequence change replaces serine, which is neutral and polar, with leucine, which is neutral and non-polar, at codon 87 of the MORC2 protein (p.Ser87Leu). This variant is not present in population databases (gnomAD no frequency). This missense change has been observed in individual(s) with Charcot-Marie-Tooth disease type 2 (CMT2) (PMID: 26497905, 27105897). In at least one individual the variant was observed to be de novo. ClinVar contains an entry for this variant (Variation ID: 218308). Invitae Evidence Modeling of protein sequence and biophysical properties (such as structural, functional, and spatial information, amino acid conservation, physicochemical variation, residue mobility, and thermodynamic stability) indicates that this missense variant is expected to disrupt MORC2 protein function with a positive predictive value of 95%. For these reasons, this variant has been classified as Pathogenic.

3billion
Classification: Pathogenic for Charcot-Marie-Tooth disease axonal type 2Z. Last evaluated: 2025-09-22. Review status: criteria provided, single submitter. Criteria: ACMG Guidelines, 2015. Collection method: clinical testing. Allele origin: germline. Affected: yes.
Comment: The variant is not observed in the gnomAD v4.1.0 dataset. Predicted Consequence/Location: Missense variant. Missense changes are a common disease-causing mechanism. Functional studies provide strong evidence of the variant having a damaging effect on the gene or gene product (PMID: 26497905, 27105897, 32693025). In silico tool predictions suggest damaging effect of the variant on gene or gene product [REVEL: 0.82 (>=0.6, sensitivity 0.68 and specificity 0.92); 3Cnet: 0.97 (> 0.75, sensitivity 0.96 and precision 0.92)]. The same nucleotide change resulting in the same amino acid change has been previously reported as pathogenic/likely pathogenic with strong evidence (ClinVar ID: VCV000218308 /PMID: 26497905 /3billion dataset). The variant has been observed in at least two similarly affected unrelated individuals (PMID: 26497905, 27105897, 32693025). The variant has been previously reported as assumed (i.e. paternity and maternity not confirmed) de novo in at least one similarly affected unrelated individual (3billion dataset). A different missense change at the same codon (p.Ser87Pro) has been reported to be associated with MORC2-related disorder (ClinVar ID: VCV001699240). Therefore, this variant is classified as Pathogenic according to the recommendation of ACMG/AMP guideline.

GeneDx
Classification: Pathogenic. Last evaluated: 2024-01-29. Review status: criteria provided, single submitter. Criteria: GeneDx Variant Classification Process June 2021. Collection method: clinical testing. Allele origin: germline. Affected: yes.
Comment: Published functional studies demonstrate a damaging effect (PMID: 29440755); Not observed in large population cohorts (gnomAD); This variant is associated with the following publications: (PMID: 34189813, 26497905, 27105897, 28135719, 31211173, 30624633, 32693025, 34059105, 31785789, 33762496, 29440755)

Ambry Genetics
Classification: Pathogenic for Inborn genetic diseases. Last evaluated: 2021-07-19. Review status: criteria provided, single submitter. Criteria: Ambry Variant Classification Scheme 2023. Collection method: clinical testing. Allele origin: germline.
Comment: The p.S87L pathogenic mutation (also known as c.260C>T), located in coding exon 5 of the MORC2 gene, results from a C to T substitution at nucleotide position 260. The serine at codon 87 is replaced by leucine, an amino acid with dissimilar properties. This variant has been detected as de novo in multiple individuals with Charcot-Marie-Tooth disease type 2 (Hyun YS et al. Brain, 2016 07;139:e40; Sevilla T et al. Brain, 2016 Jan;139:62-72; Duan X et al. Orphanet J Rare Dis, 2021 05;16:244; Guillen Sacoto MJ et al. Am J Hum Genet, 2020 08;107:352-363). This alteration is located in the ATPase domain and is reported to result in reduced ATPase activity and abnormal N-terminal dimerization dynamics in human cell lines (Sancho P et al. Hum Mol Genet, 2019 05;28:1629-1644; Douse CH et al. Nat Commun, 2018 02;9:651). In addition, this variant is considered to be rare based on population cohorts in the Genome Aggregation Database (gnomAD). Based on the supporting evidence, this alteration is interpreted as a disease-causing mutation.

Cytogénomique, Hospices Civils de Lyon
Classification: Pathogenic for Global developmental delay. Last evaluated: 2019-11-01. Review status: criteria provided, single submitter. Criteria: ACMG Guidelines, 2015. Collection method: clinical testing. Allele origin: de novo. Affected: yes.

Laboratory of Functional Genomics, Research Centre for Medical Genetics
Classification: Pathogenic for Developmental delay, impaired growth, dysmorphic facies, and axonal neuropathy. Review status: criteria provided, single submitter. Criteria: ACMG Guidelines, 2015. Collection method: clinical testing, in vitro. Allele origin: de novo, not applicable. Affected: yes. Observed: 2 heterozygotes.
Comment: Segregation analysis confirmed its de novo. This variant is absent in population databases. For functional characterization of the variant a vector, expressing MORC2 fused with Flag tag at C-terminal end, was created. Transfection of the plasmid into HEK293T cells followed by Western blotting revealed significant reduction of MORC2 protein quantity compared to wt vector. In summary, c.260C>T variant meets criteria to be classified as pathogenic.

Neuberg Centre For Genomic Medicine, NCGM
Classification: Pathogenic for Charcot-Marie-Tooth disease axonal type 2Z. Review status: criteria provided, single submitter. Criteria: ACMG Guidelines, 2015. Collection method: clinical testing. Allele origin: germline. Inheritance: Autosomal dominant inheritance. Affected: yes.
Comment: The observed missense c.260C>T(p.Ser87Leu) variant in MORC2 gene has been reported previously in multiple individuals affected with Charcot-Marie-Tooth disease (Duan X, et al., 2021; Guillen Sacoto MJ, et al., 2020; Hyun YS, et al., 2016). Functional studies indicate that this variant significantly reduces MORC2 ATPase activity and demonstrates a damaging effect (Sancho P, et al., 2019; Douse CH, et al., 2018). The p.Ser87Leu variant is absent in gnomAD Exomes. This variant has been submitted to the ClinVar database as Uncertain Significance / Pathogenic (multiple submissions). The amino acid change p.Ser87Leu in MORC2 is predicted as conserved by GERP++ and PhyloP across 100 vertebrates. The amino acid Ser at position 87 is changed to a Leu changing protein sequence and it might alter its composition and physico-chemical properties. For these reasons, this variant has been classified as Pathogenic.

Genesis Genome Database
Classification: Uncertain significance for Charcot-Marie-Tooth disease. Last evaluated: 2019-08-14. Review status: no assertion criteria provided. Collection method: research. Allele origin: germline. Affected: yes. Not counted in ClinVar's aggregate classification.

OMIM
Classification: Pathogenic for DEVELOPMENTAL DELAY, IMPAIRED GROWTH, DYSMORPHIC FACIES, AND AXONAL NEUROPATHY. Last evaluated: 2015-10-24. Review status: no assertion criteria provided. Collection method: literature only. Allele origin: germline. Not counted in ClinVar's aggregate classification.

Literature cited by the submitters: PubMed 26497905 (cited by 5 submitters); PubMed 27105897 (cited by 5 submitters); PubMed 32693025 (cited by 4 submitters); PubMed 34059105 (cited by Variantyx, Inc. and Ambry Genetics); PubMed 29440755 (cited by Variantyx, Inc. and Ambry Genetics); PubMed 30624633 (cited by 3 submitters); PubMed 38227798 (cited by Variantyx, Inc. and OMIM); PubMed 31211173 (cited by Ambry Genetics).

NM_001303256.3(MORC2):c.260C>T (p.Ser87Leu)

Gene: MORC2 (MORC family CW-type zinc finger 2; minus strand). Cytogenetic location: 22q12.2.
Variant type: single nucleotide variant.
Coding change: c.260C>T on transcript NM_001303256.3 (MANE Select); coding-DNA position 260, C replaced by T.
Protein change: p.Ser87Leu; replaces serine 87 with leucine.
Molecular consequence: missense variant.
Genome position (GRCh38, 1-based): chr22:30,949,809, G>A on the plus strand (C>T on the coding strand, the complement: MORC2 is on the minus strand). VCF-style: chr22-30949809-G-A. GRCh37 (hg19) VCF-style: chr22-31345795-G-A.
Other names: c.260C>T, p.Ser87Leu (NM_001303257.2); c.74C>T, p.Ser25Leu (NM_014941.3); short protein forms S25L, S87L.
Identifiers: ClinVar variation 218308 (VCV000218308.29), dbSNP rs864309504, ClinGen allele CA251315.